The following is an entry in ClinVar:

ClinVar aggregate classification (germline): Uncertain significance. Review status: criteria provided, multiple submitters, no conflicts (2 of 4 stars). 2 submissions from 2 submitters: Uncertain significance (2). Last evaluated 2025-08-20.

Conditions:
Hereditary cancer-predisposing syndrome. Also called: Neoplastic Syndromes, Hereditary; Hereditary neoplastic syndrome; Tumor predisposition; Hereditary Cancer Syndrome. Identifiers: Orphanet 140162, MedGen C0027672, MeSH D009386, MONDO:0015356.
Hereditary breast ovarian cancer syndrome. Also called: BRCA1- and BRCA2-Associated Hereditary Breast and Ovarian Cancer; Hereditary breast and ovarian cancer syndrome (HBOC); Hereditary breast and ovarian cancer syndrome; Hereditary breast and ovarian cancer; Breast and ovarian cancer; Hereditary breast and/or ovarian cancer syndrome. Identifiers: Orphanet 145, MedGen C0677776, MeSH D061325, MONDO:0003582. Disease mechanism: loss of function.

Allele frequency attached by ClinVar (database versions not stated): gnomAD exomes below 0.00001.
gnomAD v4.1: 4 of 1,613,872 alleles (0.00025%); highest among the groups gnomAD compares: East Asian, 0.0022%; no homozygotes.

Submissions (2):

Ambry Genetics
Classification: Uncertain significance for Hereditary cancer-predisposing syndrome. Last evaluated: 2025-08-20. Review status: criteria provided, single submitter. Criteria: Ambry Variant Classification Scheme 2023. Collection method: clinical testing. Allele origin: germline.
Comment: The p.E2355K variant (also known as c.7063G>A), located in coding exon 13 of the BRCA2 gene, results from a G to A substitution at nucleotide position 7063. The glutamic acid at codon 2355 is replaced by lysine, an amino acid with similar properties. This amino acid position is not well conserved in available vertebrate species. In addition, this alteration is predicted to be tolerated by in silico analysis. Since supporting evidence is limited at this time, the clinical significance of this alteration remains unclear.

Labcorp Genetics (formerly Invitae), Labcorp
Classification: Uncertain significance for Hereditary breast ovarian cancer syndrome. Last evaluated: 2021-03-10. Review status: criteria provided, single submitter. Criteria: Invitae Variant Classification Sherloc (09022015). Collection method: clinical testing. Allele origin: germline.
Comment: Advanced modeling of protein sequence and biophysical properties (such as structural, functional, and spatial information, amino acid conservation, physicochemical variation, residue mobility, and thermodynamic stability) performed at Invitae indicates that this missense variant is not expected to disrupt BRCA2 protein function. This variant has not been reported in the literature in individuals with BRCA2-related conditions. This variant is not present in population databases (ExAC no frequency). This sequence change replaces glutamic acid with lysine at codon 2355 of the BRCA2 protein (p.Glu2355Lys). The glutamic acid residue is weakly conserved and there is a small physicochemical difference between glutamic acid and lysine. In summary, the available evidence is currently insufficient to determine the role of this variant in disease. Therefore, it has been classified as a Variant of Uncertain Significance.

NM_000059.4(BRCA2):c.7063G>A (p.Glu2355Lys)

Gene: BRCA2 (BRCA2 DNA repair associated; plus strand). Cytogenetic location: 13q13.1.
Variant type: single nucleotide variant.
Coding change: c.7063G>A on transcript NM_000059.4 (MANE Select); coding-DNA position 7063, G replaced by A.
Protein change: p.Glu2355Lys; replaces glutamic acid 2355 with lysine.
Molecular consequence: missense variant.
Genome position (GRCh38, 1-based): chr13:32,354,916, G>A. VCF-style: chr13-32354916-G-A. GRCh37 (hg19) VCF-style: chr13-32929053-G-A.
Other names: short protein forms E2355K.
Identifiers: ClinVar variation 1396486 (VCV001396486.11), dbSNP rs200078639, ClinGen allele CA247468247.